The following is an entry in ClinVar:

ClinVar aggregate classification (germline): Uncertain significance. Review status: criteria provided, multiple submitters, no conflicts (2 of 4 stars). 2 submissions from 2 submitters: Uncertain significance (2). Last evaluated 2024-09-16.

Conditions:
Inborn genetic diseases. Identifiers: MedGen C0950123, MeSH D030342.

Allele frequency attached by ClinVar (database versions not stated): ExAC 0.00002; ESP Exome Variant Server 0.00008; gnomAD 0.00008; TOPMed 0.00013.
gnomAD v4.1: 22 of 1,614,070 alleles (0.0014%); highest among the groups gnomAD compares: African/African-American, 0.027%; no homozygotes.

Submissions (2):

Labcorp Genetics (formerly Invitae), Labcorp
Classification: Uncertain significance. Last evaluated: 2024-09-16. Review status: criteria provided, single submitter. Criteria: Invitae Variant Classification Sherloc (09022015). Collection method: clinical testing. Allele origin: germline.
Comment: This sequence change replaces lysine, which is basic and polar, with arginine, which is basic and polar, at codon 183 of the LAMB1 protein (p.Lys183Arg). This variant is present in population databases (rs373984358, gnomAD 0.02%). This variant has not been reported in the literature in individuals affected with LAMB1-related conditions. An algorithm developed to predict the effect of missense changes on protein structure and function (PolyPhen-2) suggests that this variant¬¨‚Ä†is likely to be tolerated. In summary, the available evidence is currently insufficient to determine the role of this variant in disease. Therefore, it has been classified as a Variant of Uncertain Significance.

Ambry Genetics
Classification: Uncertain significance for Inborn genetic diseases. Last evaluated: 2023-12-17. Review status: criteria provided, single submitter. Criteria: Ambry Variant Classification Scheme 2023. Collection method: clinical testing. Allele origin: germline.

NM_002291.3(LAMB1):c.548A>G (p.Lys183Arg)

Gene: LAMB1 (laminin subunit beta 1; minus strand). Cytogenetic location: 7q31.1.
Variant type: single nucleotide variant.
Coding change: c.548A>G on transcript NM_002291.3 (MANE Select); coding-DNA position 548, A replaced by G.
Protein change: p.Lys183Arg; replaces lysine 183 with arginine.
Molecular consequence: missense variant.
Genome position (GRCh38, 1-based): chr7:107,986,239, T>C on the plus strand (A>G on the coding strand, the complement: LAMB1 is on the minus strand). VCF-style: chr7-107986239-T-C. GRCh37 (hg19) VCF-style: chr7-107626684-T-C.
Other names: c.548A>G (NM_002291.2); short protein forms K183R.
Identifiers: ClinVar variation 2960363 (VCV002960363.3), dbSNP rs373984358, ClinGen allele CA4436261.